The following is an entry in ClinVar:

NM_001365951.3(KIF1B):c.4524C>T (p.Thr1508=)

Gene: KIF1B (kinesin family member 1B; plus strand). Cytogenetic location: 1p36.22.
Variant type: single nucleotide variant.
Coding change: c.4524C>T on transcript NM_001365951.3 (MANE Select); coding-DNA position 4524, C replaced by T.
Protein change: p.Thr1508=; no amino-acid change (threonine 1508 retained).
Molecular consequence: synonymous variant.
Genome position (GRCh38, 1-based): chr1:10,365,420, C>T. VCF-style: chr1-10365420-C-T. GRCh37 (hg19) VCF-style: chr1-10425478-C-T.
Other names: c.4524C>T, p.Thr1508= (NM_001365952.1); c.4386C>T, p.Thr1462= (NM_015074.3).
Identifiers: ClinVar variation 697365 (VCV000697365.15), dbSNP rs373636782, ClinGen allele CA582112.

ClinVar aggregate classification (germline): Likely benign. Review status: criteria provided, multiple submitters, no conflicts (2 of 4 stars). 5 submissions from 5 submitters: Likely benign (5). Last evaluated 2026-07-01.

Conditions:
Charcot-Marie-Tooth disease type 2. Also called: Charcot-Marie-Tooth type 2. Identifiers: Orphanet 64746, MedGen C0270914, MONDO:0018993.
Charcot-Marie-Tooth disease. Also called: Charcot-Marie-Tooth Hereditary Neuropathy; Charcot-Marie-Tooth Neuropathy. Identifiers: Orphanet 166, MedGen C0007959, MONDO:0015626.

Allele frequency attached by ClinVar (database versions not stated): TOPMed 0.00003; ESP Exome Variant Server 0.00008; gnomAD 0.00012 and 0.00015; 1000 Genomes Project 30x 0.00016; 1000 Genomes Project 0.00020; gnomAD exomes 0.00023 and 0.00041; ExAC 0.00035.
gnomAD v4.1: 357 of 1,614,108 alleles (0.022%); highest among the groups gnomAD compares: South Asian, 0.18%; 1 homozygote.

Submissions (5):

CeGaT Center for Human Genetics Tuebingen
Classification: Likely benign. Last evaluated: 2026-07-01. Review status: criteria provided, single submitter. Criteria: CeGaT Center For Human Genetics Tuebingen Variant Classification Criteria Version 2. Collection method: clinical testing. Allele origin: germline. Affected: yes. Observed: 1 variant allele.
Comment: KIF1B: BP4, BP7

Labcorp Genetics (formerly Invitae), Labcorp
Classification: Likely benign for Charcot-Marie-Tooth disease type 2. Last evaluated: 2025-12-24. Review status: criteria provided, single submitter. Criteria: Invitae Variant Classification Sherloc (09022015). Collection method: clinical testing. Allele origin: germline.

Blueprint Genetics
Classification: Likely benign. Last evaluated: 2024-11-21. Review status: criteria provided, single submitter. Criteria: ACMG Guidelines, 2015. Collection method: clinical testing. Allele origin: germline.

Ambry Genetics
Classification: Likely benign. Last evaluated: 2020-12-16. Review status: criteria provided, single submitter. Criteria: Ambry Variant Classification Scheme 2023. Collection method: clinical testing. Allele origin: germline.

Molecular Genetics Laboratory, London Health Sciences Centre
Classification: Likely benign for Charcot-Marie-Tooth disease. Review status: criteria provided, single submitter. Criteria: ACMG Guidelines, 2015. Collection method: clinical testing. Allele origin: germline. Affected: yes.